The following is an entry in ClinVar:

NM_005219.5(DIAPH1):c.*933T>A

Gene: DIAPH1 (diaphanous related formin 1; minus strand). Cytogenetic location: 5q31.3.
Variant type: single nucleotide variant.
Coding change: c.*933T>A on transcript NM_005219.5 (MANE Select); 933 bases downstream of the stop codon, T replaced by A.
Molecular consequence: 3 prime UTR variant.
Genome position (GRCh38, 1-based): chr5:141,515,918, A>T on the plus strand (T>A on the coding strand, the complement: DIAPH1 is on the minus strand). VCF-style: chr5-141515918-A-T. GRCh37 (hg19) VCF-style: chr5-140895485-A-T.
Other names: c.*933T>A (NM_001079812.3); c.*1052T>A (NM_001314007.2).
Identifiers: ClinVar variation 351272 (VCV000351272.5), dbSNP rs55798800, ClinGen allele CA10619196.

ClinVar aggregate classification (germline): Benign (1 of 4 stars; one submission).

Conditions:
Autosomal dominant nonsyndromic hearing loss 1. Also called: KONIGSMARK SYNDROME; DEAFNESS, AUTOSOMAL DOMINANT 1, WITH OR WITHOUT THROMBOCYTOPENIA. Identifiers: Orphanet 90635, MedGen C1852282, MONDO:0007424, OMIM 124900.

Allele frequency attached by ClinVar (database versions not stated): gnomAD exomes 0.05128; 1000 Genomes Project 0.11901; gnomAD 0.12974 and 0.13233; TOPMed 0.13407.
gnomAD v4.1: 19,637 of 151,318 alleles (13%); highest among the groups gnomAD compares: Middle Eastern, 18%; 1,349 homozygotes.

Submission:

Illumina Laboratory Services, Illumina
Classification: Benign for Autosomal dominant nonsyndromic hearing loss 1. Last evaluated: 2018-01-12. Review status: criteria provided, single submitter. Criteria: ICSL Variant Classification Criteria 13 December 2019. Collection method: clinical testing. Allele origin: germline.
Comment: This variant was observed in the ICSL laboratory as part of a predisposition screen in an ostensibly healthy population. It had not been previously curated by ICSL or reported in the Human Gene Mutation Database (HGMD: prior to June 1st, 2018), and was therefore a candidate for classification through an automated scoring system. Utilizing variant allele frequency, disease prevalence and penetrance estimates, and inheritance mode, an automated score was calculated to assess if this variant is too frequent to cause the disease. Based on the score and internal cut-off values, a variant classified as benign is not then subjected to further curation. The score for this variant resulted in a classification of benign for this disease.